The following is an entry in ClinVar:

ClinVar aggregate classification (germline): Benign. Review status: criteria provided, multiple submitters, no conflicts (2 of 4 stars). 2 submissions from 2 submitters: Benign (2). Last evaluated 2018-06-14.

Allele frequency attached by ClinVar (database versions not stated): 1000 Genomes Project 0.06490; 1000 Genomes Project 30x 0.06855; gnomAD 0.07340 and 0.07555; TOPMed 0.07717.

Submissions (2):

GeneDx
Classification: Benign. Last evaluated: 2018-06-14. Review status: criteria provided, single submitter. Criteria: GeneDx Variant Classification (06012015). Collection method: clinical testing. Allele origin: germline. Affected: yes.
Comment: This variant is considered likely benign or benign based on one or more of the following criteria: it is a conservative change, it occurs at a poorly conserved position in the protein, it is predicted to be benign by multiple in silico algorithms, and/or has population frequency not consistent with disease.

Breakthrough Genomics
Classification: Benign. Review status: criteria provided, single submitter. Criteria: ACMG Guidelines, 2015. Collection method: not provided. Allele origin: germline. Inheritance: Autosomal recessive inheritance. Affected: yes.

NM_001195263.2(PDZD7):c.1574-148C>T

Gene: PDZD7 (PDZ domain containing 7; minus strand). Cytogenetic location: 10q24.31.
Variant type: single nucleotide variant.
Coding change: c.1574-148C>T on transcript NM_001195263.2 (MANE Select); 148 bases into the intron before coding-DNA position 1574, C replaced by T.
Molecular consequence: intron variant.
Genome position (GRCh38, 1-based): chr10:101,015,959, G>A on the plus strand (C>T on the coding strand, the complement: PDZD7 is on the minus strand). VCF-style: chr10-101015959-G-A. GRCh37 (hg19) VCF-style: chr10-102775716-G-A.
Identifiers: ClinVar variation 667958 (VCV000667958.2), dbSNP rs10883570, ClinGen allele CA212982049.